The following is an entry in ClinVar:

ClinVar aggregate classification (germline): Uncertain significance (1 of 4 stars; one submission).

Conditions:
Singleton-Merten syndrome 1 (SGMRT1). Also called: Widened medullary cavities of bone, aortic calcification, abnormal dentition, and muscular weakness; Syndrome of widened medullary cavities of the metacarpals and phalanges, aortic calcification and abnormal dentition. Identifiers: Orphanet 85191, MedGen C4225427, MONDO:0024535, OMIM 182250.
Aicardi-Goutieres syndrome 7 (AGS7). Identifiers: Orphanet 51, MedGen C3888244, MONDO:0014367, OMIM 615846.

Submission:

Labcorp Genetics (formerly Invitae), Labcorp
Classification: Uncertain significance for Aicardi-Goutieres syndrome 7; Singleton-Merten syndrome 1. Last evaluated: 2022-05-18. Review status: criteria provided, single submitter. Criteria: Invitae Variant Classification Sherloc (09022015). Collection method: clinical testing. Allele origin: germline.
Comment: Algorithms developed to predict the effect of missense changes on protein structure and function output the following: SIFT: "Tolerated"; PolyPhen-2: "Benign"; Align-GVGD: "Class C0". The lysine amino acid residue is found in multiple mammalian species, which suggests that this missense change does not adversely affect protein function. In summary, the available evidence is currently insufficient to determine the role of this variant in disease. Therefore, it has been classified as a Variant of Uncertain Significance. This variant has not been reported in the literature in individuals affected with IFIH1-related conditions. This variant is not present in population databases (gnomAD no frequency). This sequence change replaces glutamic acid, which is acidic and polar, with lysine, which is basic and polar, at codon 552 of the IFIH1 protein (p.Glu552Lys).

NM_022168.4(IFIH1):c.1654G>A (p.Glu552Lys)

Gene: IFIH1 (interferon induced with helicase C domain 1; minus strand). Cytogenetic location: 2q24.2.
Variant type: single nucleotide variant.
Coding change: c.1654G>A on transcript NM_022168.4 (MANE Select); coding-DNA position 1654, G replaced by A.
Protein change: p.Glu552Lys; replaces glutamic acid 552 with lysine.
Molecular consequence: missense variant.
Genome position (GRCh38, 1-based): chr2:162,278,316, C>T on the plus strand (G>A on the coding strand, the complement: IFIH1 is on the minus strand). VCF-style: chr2-162278316-C-T. GRCh37 (hg19) VCF-style: chr2-163134826-C-T.
Other names: short protein forms E552K.
Identifiers: ClinVar variation 1502059 (VCV001502059.8), dbSNP rs1193030860, ClinGen allele CA349000295.